The following is an entry in ClinVar:

ClinVar aggregate classification (germline): Pathogenic. Review status: reviewed by expert panel (3 of 4 stars). 7 submissions from 7 submitters: Pathogenic (1). 6 of the submissions do not count toward it. Last evaluated 2016-10-18.

Conditions:
Hereditary breast ovarian cancer syndrome. Also called: Hereditary breast and ovarian cancer syndrome; Hereditary breast and ovarian cancer; Hereditary breast and ovarian cancer syndrome (HBOC); Breast and ovarian cancer; Hereditary breast and/or ovarian cancer syndrome; BRCA1- and BRCA2-Associated Hereditary Breast and Ovarian Cancer. Identifiers: Orphanet 145, MedGen C0677776, MeSH D061325, MONDO:0003582. Disease mechanism: loss of function.
Hereditary cancer-predisposing syndrome. Also called: Neoplastic Syndromes, Hereditary; Tumor predisposition; Hereditary Cancer Syndrome; Hereditary neoplastic syndrome. Identifiers: Orphanet 140162, MedGen C0027672, MeSH D009386, MONDO:0015356.
Breast-ovarian cancer, familial, susceptibility to, 2 (BROVCA2). Also called: BRCA2 Hereditary Breast and Ovarian Cancer. Identifiers: Orphanet 145, MedGen C2675520, MONDO:0012933, OMIM 612555. Disease mechanism: loss of function.

Submissions (7):

Evidence-based Network for the Interpretation of Germline Mutant Alleles (ENIGMA)
Classification: Pathogenic for Breast-ovarian cancer, familial, susceptibility to, 2. Last evaluated: 2016-10-18. Review status: reviewed by expert panel. Criteria: ENIGMA BRCA1/2 Classification Criteria (2015). Collection method: curation. Allele origin: germline.
Comment: Variant allele predicted to encode a truncated non-functional protein.

Labcorp Genetics (formerly Invitae), Labcorp
Classification: Pathogenic for Hereditary breast ovarian cancer syndrome. Last evaluated: 2026-01-11. Review status: criteria provided, single submitter. Criteria: Invitae Variant Classification Sherloc (09022015). Collection method: clinical testing. Allele origin: germline. Not counted in ClinVar's aggregate classification.
Comment: This sequence change creates a premature translational stop signal (p.Asn957Ilefs*3) in the BRCA2 gene. It is expected to result in an absent or disrupted protein product. Loss-of-function variants in BRCA2 are known to be pathogenic (PMID: 20104584). This variant is not present in population databases (gnomAD no frequency). This premature translational stop signal has been observed in individual(s) with a personal and/or family history of breast cancer (PMID: 22762150). ClinVar contains an entry for this variant (Variation ID: 51363). For these reasons, this variant has been classified as Pathogenic.

Ambry Genetics
Classification: Pathogenic for Hereditary cancer-predisposing syndrome. Last evaluated: 2024-06-13. Review status: criteria provided, single submitter. Criteria: Ambry Variant Classification Scheme 2023. Collection method: clinical testing. Allele origin: germline. Not counted in ClinVar's aggregate classification.
Comment: The c.2870delA pathogenic mutation, located in coding exon 10 of the BRCA2 gene, results from a deletion of one nucleotide at nucleotide position 2870, causing a translational frameshift with a predicted alternate stop codon (p.N957Ifs*3). This variant was detected in a cohort of 432 Chinese ovarian cancer patients (Fu K et al. Sci Rep, 2024 Mar;14:6702). This variant is considered to be rare based on population cohorts in the Genome Aggregation Database (gnomAD). This alteration is expected to result in loss of function by premature protein truncation or nonsense-mediated mRNA decay. As such, this alteration is interpreted as a disease-causing mutation.

Color Diagnostics, LLC DBA Color Health
Classification: Pathogenic for Hereditary cancer-predisposing syndrome. Last evaluated: 2020-03-02. Review status: criteria provided, single submitter. Criteria: ACMG Guidelines, 2015. Collection method: clinical testing. Allele origin: germline. Not counted in ClinVar's aggregate classification.
Comment: This variant deletes 1 nucleotide in exon 11 of the BRCA2 gene, creating a frameshift and premature translation stop signal. This variant is also described as 3098delA according to the BIC nomenclature. This variant is expected to result in an absent or non-functional protein product. To our knowledge, this variant has not been reported in individuals affected with hereditary cancer in the literature. This variant has not been identified in the general population by the Genome Aggregation Database (gnomAD). Loss of BRCA2 function is a known mechanism of disease. Based on the available evidence, this variant is classified as Pathogenic.

Consortium of Investigators of Modifiers of BRCA1/2 (CIMBA), c/o University of Cambridge
Classification: Pathogenic for Breast-ovarian cancer, familial, susceptibility to, 2. Last evaluated: 2015-10-02. Review status: criteria provided, single submitter. Criteria: CIMBA Mutation Classification guidelines May 2016. Collection method: clinical testing. Allele origin: germline. Not counted in ClinVar's aggregate classification.

Department of Pathology and Laboratory Medicine, Sinai Health System
Classification: Likely pathogenic for Hereditary breast ovarian cancer syndrome. Review status: criteria provided, single submitter. Criteria: ACMG Guidelines, 2015. Collection method: clinical testing. Allele origin: germline. Affected: yes. Study: The Canadian Open Genetics Repository (COGR). Not counted in ClinVar's aggregate classification.

Research Molecular Genetics Laboratory, Women's College Hospital, University of Toronto
Classification: Pathogenic for Hereditary breast ovarian cancer syndrome. Last evaluated: 2014-01-31. Review status: no assertion criteria provided. Collection method: research. Allele origin: germline. Affected: yes. Study: The Canadian Open Genetics Repository (COGR). Not counted in ClinVar's aggregate classification.

Literature cited by the submitters: PubMed 20104584 (cited by Labcorp Genetics (formerly Invitae), Labcorp); PubMed 22762150 (cited by Labcorp Genetics (formerly Invitae), Labcorp); PubMed 38509102 (cited by Ambry Genetics).

NM_000059.4(BRCA2):c.2870del (p.Asn957fs)

Gene: BRCA2 (BRCA2 DNA repair associated; plus strand). Cytogenetic location: 13q13.1.
Variant type: Deletion.
Coding change: c.2870del on transcript NM_000059.4 (MANE Select); coding-DNA position 2870, one base deleted (A; older notation c.2870delA).
Protein change: p.Asn957fs; shifts the reading frame from asparagine 957.
Molecular consequence: frameshift variant.
Genome position (GRCh38, 1-based): chr13:32,337,225, A deleted; the last of 5 consecutive A bases (chr13:32,337,221-32,337,225); deleting any one gives the same sequence. VCF-style (leftmost placement, unchanged base first): chr13-32337220-CA-C. GRCh37 (hg19) VCF-style: chr13-32911357-CA-C.
Other names: 3098delA; c.2870delA (NM_000059.3).
Identifiers: ClinVar variation 51363 (VCV000051363.18), dbSNP rs397507645, ClinGen allele CA016645.